The following is an entry in ClinVar:

NM_016239.4(MYO15A):c.10036G>A (p.Ala3346Thr)

Gene: MYO15A (myosin XVA; plus strand). Cytogenetic location: 17p11.2.
Variant type: single nucleotide variant.
Coding change: c.10036G>A on transcript NM_016239.4 (MANE Select); coding-DNA position 10036, G replaced by A.
Protein change: p.Ala3346Thr; replaces alanine 3346 with threonine.
Molecular consequence: missense variant.
Genome position (GRCh38, 1-based): chr17:18,167,677, G>A. VCF-style: chr17-18167677-G-A. GRCh37 (hg19) VCF-style: chr17-18070991-G-A.
Other names: short protein forms A3346T.
Identifiers: ClinVar variation 5039099 (VCV005039099.1).
Genomic context (GRCh38, chr17:18,167,677, plus strand): 5'-TTCAGCAGTGTGCCGGCCAGCCGGCCCAGCGAGCAGCTGCTGCAGCAGGTGTCCAAGCTG[G>A]CTTCACTGCAGCATCGCGCCAAGGACCACTTCTACCTGCCGAGCGTGTGAGCATCTGCCC-3'
Protein context (NP_057323.3, residues 3336-3356): EQLLQQVSKL[Ala3346Thr]SLQHRAKDHF

ClinVar aggregate classification (germline): Uncertain significance (1 of 4 stars; one submission).

gnomAD v4.1: 26 of 1,604,360 alleles (0.0016%); highest among the groups gnomAD compares: Non-Finnish European, 0.0019%; no homozygotes.

Submission:

CeGaT Center for Human Genetics Tuebingen
Classification: Uncertain significance. Last evaluated: 2026-08-01. Review status: criteria provided, single submitter. Criteria: CeGaT Center For Human Genetics Tuebingen Variant Classification Criteria Version 2. Collection method: clinical testing. Allele origin: germline. Affected: yes. Observed: 1 variant allele.
Comment: MYO15A: PM2